The following is an entry in ClinVar:

ClinVar aggregate classification (germline): Likely benign (1 of 4 stars; one submission).

Allele frequency attached by ClinVar (database versions not stated): TOPMed 0.00005; gnomAD 0.00003; gnomAD exomes 0.00004; ExAC 0.00007; ESP Exome Variant Server 0.00015.
gnomAD v4.1: 65 of 1,564,634 alleles (0.0042%); highest among the groups gnomAD compares: Middle Eastern, 0.13%; no homozygotes.

Submission:

CeGaT Center for Human Genetics Tuebingen
Classification: Likely benign. Last evaluated: 2023-10-01. Review status: criteria provided, single submitter. Criteria: CeGaT Center For Human Genetics Tuebingen Variant Classification Criteria Version 2. Collection method: clinical testing. Allele origin: germline. Affected: yes. Observed: 1 variant allele.
Comment: HERC2: BP4, BP7

NM_004667.6(HERC2):c.3390T>C (p.Thr1130=)

Gene: HERC2 (HECT and RLD domain containing E3 ubiquitin protein ligase 2; minus strand). Cytogenetic location: 15q13.1.
Variant type: single nucleotide variant.
Coding change: c.3390T>C on transcript NM_004667.6 (MANE Select); coding-DNA position 3390, T replaced by C.
Protein change: p.Thr1130=; no amino-acid change (threonine 1130 retained).
Molecular consequence: synonymous variant.
Genome position (GRCh38, 1-based): chr15:28,246,743, A>G on the plus strand (T>C on the coding strand, the complement: HERC2 is on the minus strand). VCF-style: chr15-28246743-A-G. GRCh37 (hg19) VCF-style: chr15-28491889-A-G.
Identifiers: ClinVar variation 2645073 (VCV002645073.24), dbSNP rs374923685, ClinGen allele CA7442917.